The following is an entry in ClinVar:

NM_017547.4(FOXRED1):c.1199C>T (p.Thr400Ile)

Gene: FOXRED1 (FAD dependent oxidoreductase domain containing 1; plus strand). Cytogenetic location: 11q24.2.
Variant type: single nucleotide variant.
Coding change: c.1199C>T on transcript NM_017547.4 (MANE Select); coding-DNA position 1199, C replaced by T.
Protein change: p.Thr400Ile; replaces threonine 400 with isoleucine.
Molecular consequence: missense variant. On other transcripts: non-coding transcript variant (3), intron variant (1).
Genome position (GRCh38, 1-based): chr11:126,277,168, C>T. VCF-style: chr11-126277168-C-T. GRCh37 (hg19) VCF-style: chr11-126147063-C-T.
Other names: c.1196C>T, p.Thr399Ile (NM_001425164.1, NM_001425163.1); c.1199C>T, p.Thr400Ile (NM_001425165.1, NM_001425161.1); c.1097C>T, p.Thr366Ile (NM_001425167.1); c.689C>T, p.Thr230Ile (NM_001425168.1, NM_001425169.1, NM_001425170.1); c.638C>T, p.Thr213Ile (NM_001425171.1, NM_001425172.1); c.566C>T, p.Thr189Ile (NM_001425173.1, NM_001425174.1); c.563C>T, p.Thr188Ile (NM_001425175.1); c.1158+41C>T (NM_001425166.1); and 1 more; short protein forms T188I, T189I, T213I, T230I, T366I, T399I, T400I, T410I.
Identifiers: ClinVar variation 3616984 (VCV003616984.2).
Genomic context (GRCh38, chr11:126,277,168, plus strand): 5'-ATGATTTCTTCCAGGACAAGGTGTGGCCCCATTTGGCCCTGAGGGTCCCAGCTTTTGAGA[C>T]TCTGAAGGTAACTGGCAAGGGCTGGTTTTCCTTTTTATTTTTGGACATTGGATGGGACAG-3'
Protein context (NP_060017.1, residues 390-410): HLALRVPAFE[Thr400Ile]LKVQSAWAGY

ClinVar aggregate classification (germline): Uncertain significance (1 of 4 stars; one submission).

gnomAD v4.1: 15 of 1,594,750 alleles (0.00094%); highest among the groups gnomAD compares: Non-Finnish European, 0.0013%; no homozygotes.

Submission:

Labcorp Genetics (formerly Invitae), Labcorp
Classification: Uncertain significance. Last evaluated: 2024-05-24. Review status: criteria provided, single submitter. Criteria: Invitae Variant Classification Sherloc (09022015). Collection method: clinical testing. Allele origin: germline.
Comment: This sequence change replaces threonine, which is neutral and polar, with isoleucine, which is neutral and non-polar, at codon 400 of the FOXRED1 protein (p.Thr400Ile). This variant is present in population databases (rs768371178, gnomAD 0.003%). This variant has not been reported in the literature in individuals affected with FOXRED1-related conditions. Advanced modeling of protein sequence and biophysical properties (such as structural, functional, and spatial information, amino acid conservation, physicochemical variation, residue mobility, and thermodynamic stability) performed at Invitae indicates that this missense variant is not expected to disrupt FOXRED1 protein function with a negative predictive value of 80%. In summary, the available evidence is currently insufficient to determine the role of this variant in disease. Therefore, it has been classified as a Variant of Uncertain Significance.